The following is an entry in ClinVar:

NM_002972.4(SBF1):c.2967+9C>A

Gene: SBF1 (SET binding factor 1; minus strand). Cytogenetic location: 22q13.33.
Variant type: single nucleotide variant.
Coding change: c.2967+9C>A on transcript NM_002972.4 (MANE Select); 9 bases into the intron after coding-DNA position 2967, C replaced by A.
Molecular consequence: intron variant.
Genome position (GRCh38, 1-based): chr22:50,461,150, G>T on the plus strand (C>A on the coding strand, the complement: SBF1 is on the minus strand). VCF-style: chr22-50461150-G-T. GRCh37 (hg19) VCF-style: chr22-50899579-G-T.
Other names: p.?; c.2970+9C>A (NM_001365819.1).
Identifiers: ClinVar variation 1629191 (VCV001629191.11), dbSNP rs115010488, ClinGen allele CA10316965.

ClinVar aggregate classification (germline): Conflicting classifications of pathogenicity. Review status: criteria provided, conflicting classifications (1 of 4 stars). 4 submissions from 4 submitters: Uncertain significance (2); Likely benign (2). Last evaluated 2025-10-03.

gnomAD v4.1: 89 of 1,589,492 alleles (0.0056%); highest among the groups gnomAD compares: Middle Eastern, 0.045%; no homozygotes.

Submissions (4):

Labcorp Genetics (formerly Invitae), Labcorp
Classification: Likely benign. Last evaluated: 2025-10-03. Review status: criteria provided, single submitter. Criteria: Invitae Variant Classification Sherloc (09022015). Collection method: clinical testing. Allele origin: germline.

Mayo Clinic Laboratories, Mayo Clinic
Classification: Uncertain significance. Last evaluated: 2025-06-04. Review status: criteria provided, single submitter. Criteria: ACMG Guidelines, 2015. Collection method: clinical testing. Allele origin: germline. Observed: 1 variant allele.
Comment: PP3

Blueprint Genetics
Classification: Uncertain significance. Last evaluated: 2024-03-13. Review status: criteria provided, single submitter. Criteria: ACMG Guidelines, 2015. Collection method: clinical testing. Allele origin: germline.

Women's Health and Genetics/Laboratory Corporation of America, LabCorp
Classification: Likely benign. Last evaluated: 2023-10-26. Review status: criteria provided, single submitter. Criteria: LabCorp Variant Classification Summary - May 2015. Collection method: clinical testing. Allele origin: germline.
Comment: Variant summary: SBF1 c.2967+9C>A alters a nucleotide located at a position not widely known to affect splicing. Consensus agreement among computation tools predict no significant impact on normal splicing. However, these predictions have yet to be confirmed by functional studies. The variant allele was found at a frequency of 2.9e-05 in 237922 control chromosomes (gnomAD). The available data on variant occurrences in the general population are insufficient to allow any conclusion about variant significance. To our knowledge, no occurrence of c.2967+9C>A in individuals affected with Charcot Marie Tooth Disease Type 4B3 and no experimental evidence demonstrating its impact on protein function have been reported. One submitter has cited clinical-significance assessments for this variant to ClinVar after 2014 and has classified the variant as likely benign. Based on the evidence outlined above, the variant was classified as likely benign.